The following is an entry in ClinVar:

ClinVar aggregate classification (germline): Benign/Likely benign. Review status: criteria provided, multiple submitters, no conflicts (2 of 4 stars). 4 submissions from 4 submitters: Benign (1); Likely benign (3). Last evaluated 2025-10-13.

Conditions:
THPO-related disorder. Also called: THPO-related condition.
Thrombocythemia 1 (THCYT1). Also called: THROMBOCYTHEMIA, SOMATIC; THROMBOCYTOSIS 1. Identifiers: MedGen C3277671, MONDO:0008554, OMIM 187950.

Allele frequency attached by ClinVar (database versions not stated): gnomAD exomes 0.00005 and 0.00018; gnomAD 0.00006 and 0.00007; ESP Exome Variant Server 0.00008; TOPMed 0.00014; ExAC 0.00016.
gnomAD v4.1: 127 of 1,614,034 alleles (0.0079%); highest among the groups gnomAD compares: East Asian, 0.11%; no homozygotes.

Submissions (4):

PreventionGenetics, part of Exact Sciences
Classification: Likely benign for THPO-related condition. Last evaluated: 2025-10-13. Review status: criteria provided, single submitter. Criteria: ACMG Guidelines, 2015. Collection method: clinical testing. Allele origin: germline.
Comment: This variant is classified as likely benign based on ACMG/AMP sequence variant interpretation guidelines (Richards et al. 2015 PMID: 25741868, with internal and published modifications).

Labcorp Genetics (formerly Invitae), Labcorp
Classification: Benign. Last evaluated: 2025-08-25. Review status: criteria provided, single submitter. Criteria: Invitae Variant Classification Sherloc (09022015). Collection method: clinical testing. Allele origin: germline.

Blueprint Genetics
Classification: Likely benign. Last evaluated: 2024-06-06. Review status: criteria provided, single submitter. Criteria: ACMG Guidelines, 2015. Collection method: clinical testing. Allele origin: germline.

Illumina Laboratory Services, Illumina
Classification: Likely benign for Thrombocythemia 1. Last evaluated: 2018-01-12. Review status: criteria provided, single submitter. Criteria: ICSL Variant Classification Criteria 13 December 2019. Collection method: clinical testing. Allele origin: germline.
Comment: This variant was observed in the ICSL laboratory as part of a predisposition screen in an ostensibly healthy population. It had not been previously curated by ICSL or reported in the Human Gene Mutation Database (HGMD: prior to June 1st, 2018), and was therefore a candidate for classification through an automated scoring system. Utilizing variant allele frequency, disease prevalence and penetrance estimates, and inheritance mode, an automated score was calculated to assess if this variant is too frequent to cause the disease. Based on the score and internal cut-off values, a variant classified as likely benign is not then subjected to further curation. The score for this variant resulted in a classification of likely benign for this disease.

NM_000460.4(THPO):c.24C>T (p.Leu8=)

Gene: THPO (thrombopoietin; minus strand). Cytogenetic location: 3q27.1.
Variant type: single nucleotide variant.
Coding change: c.24C>T on transcript NM_000460.4 (MANE Select); coding-DNA position 24, C replaced by T.
Protein change: p.Leu8=; no amino-acid change (leucine 8 retained).
Molecular consequence: synonymous variant.
Genome position (GRCh38, 1-based): chr3:184,376,005, G>A on the plus strand (C>T on the coding strand, the complement: THPO is on the minus strand). VCF-style: chr3-184376005-G-A. GRCh37 (hg19) VCF-style: chr3-184093793-G-A.
Other names: c.24C>T, p.Leu8= (NM_001177597.2, NM_001177598.2, NM_001289997.1 and 5 more transcripts); c.444C>T, p.Leu148= (NM_001290003.1).
Identifiers: ClinVar variation 728574 (VCV000728574.14), dbSNP rs373542698, ClinGen allele CA2735074.
Genomic context (GRCh38, chr3:184,376,005, plus strand): 5'-ACAAGCAGGAGGAGCCGGGCTGGACAGCGTTAGCCTTGCAGTTAGGAGAAGCATGACCAC[G>A]AGGAGCAATTCTTAGATGAGGAGAGGTGAGGTTGAAAGATGAGGAGGAAATCATTGTCAG-3'
Protein context (NP_000451.1, residues 1-18): MELTELL[Leu8=]VVMLLLTARL